The following is an entry in ClinVar:

NM_004628.5(XPC):c.574A>G (p.Arg192Gly)

Gene: XPC (XPC complex subunit, DNA damage recognition and repair factor; minus strand). Cytogenetic location: 3p25.1.
Variant type: single nucleotide variant.
Coding change: c.574A>G on transcript NM_004628.5 (MANE Select); coding-DNA position 574, A replaced by G.
Protein change: p.Arg192Gly; replaces arginine 192 with glycine.
Molecular consequence: missense variant. On other transcripts: 5 prime UTR variant (1), non-coding transcript variant (2).
Genome position (GRCh38, 1-based): chr3:14,167,216, T>C on the plus strand (A>G on the coding strand, the complement: XPC is on the minus strand). VCF-style: chr3-14167216-T-C. GRCh37 (hg19) VCF-style: chr3-14208716-T-C.
Other names: c.-6A>G (NM_001354726.2); c.574A>G, p.Arg192Gly (NM_001354727.2, NM_001354730.2); c.556A>G, p.Arg186Gly (NM_001354729.2); short protein forms R192G, R186G.
Identifiers: ClinVar variation 902591 (VCV000902591.5), dbSNP rs200485886, ClinGen allele CA2267664.

ClinVar aggregate classification (germline): Uncertain significance. Review status: criteria provided, multiple submitters, no conflicts (2 of 4 stars). 2 submissions from 2 submitters: Uncertain significance (2). Last evaluated 2022-03-04.

Conditions:
Xeroderma pigmentosum, group C (XPC). Also called: XPC-Related Xeroderma Pigmentosum; Xeroderma pigmentosum, complementation group C; XERODERMA PIGMENTOSUM III; XP, GROUP C. Identifiers: Orphanet 910, MedGen C2752147, MONDO:0010211, OMIM 278720.

Allele frequency attached by ClinVar (database versions not stated): gnomAD 0.00003 and 0.00004; ExAC 0.00004; gnomAD exomes 0.00004 and 0.00020; TOPMed 0.00005; ESP Exome Variant Server 0.00025.
gnomAD v4.1: 285 of 1,611,016 alleles (0.018%); highest among the groups gnomAD compares: Non-Finnish European, 0.024%; no homozygotes.

Submissions (2):

GeneDx
Classification: Uncertain significance. Last evaluated: 2022-03-04. Review status: criteria provided, single submitter. Criteria: GeneDx Variant Classification Process June 2021. Collection method: clinical testing. Allele origin: germline. Affected: yes.
Comment: In silico analysis supports that this missense variant has a deleterious effect on protein structure/function; Identified in an individual with early-onset aggressive prostate cancer and not observed among controls (Leongamornlert et al., 2019); This variant is associated with the following publications: (PMID: 30777372)

Illumina Laboratory Services, Illumina
Classification: Uncertain significance for Xeroderma pigmentosum, group C. Last evaluated: 2018-01-12. Review status: criteria provided, single submitter. Criteria: ICSL Variant Classification Criteria 13 December 2019. Collection method: clinical testing. Allele origin: germline.